The following is an entry in ClinVar:

ClinVar aggregate classification (germline): Uncertain significance (1 of 4 stars; one submission).

Conditions:
Inborn genetic diseases. Identifiers: MedGen C0950123, MeSH D030342.

Submission:

Ambry Genetics
Classification: Uncertain significance for Inborn genetic diseases. Last evaluated: 2026-01-22. Review status: criteria provided, single submitter. Criteria: Ambry Variant Classification Scheme 2023. Collection method: clinical testing. Allele origin: germline.
Comment: The c.5434C>T (p.P1812S) alteration is located in exon 34 (coding exon 33) of the PRPF8 gene. This alteration results from a C to T substitution at nucleotide position 5434, causing the proline (P) at amino acid position 1812 to be replaced by a serine (S). This variant was not reported in population-based cohorts in the Genome Aggregation Database (gnomAD). This amino acid position is highly conserved in available vertebrate species. This alteration is predicted to be deleterious by in silico analysis. Based on insufficient or conflicting evidence, the clinical significance of this alteration remains unclear.

NM_006445.4(PRPF8):c.5434C>T (p.Pro1812Ser)

Gene: PRPF8 (pre-mRNA processing factor 8; minus strand). Cytogenetic location: 17p13.3.
Variant type: single nucleotide variant.
Coding change: c.5434C>T on transcript NM_006445.4 (MANE Select); coding-DNA position 5434, C replaced by T.
Protein change: p.Pro1812Ser; replaces proline 1812 with serine.
Molecular consequence: missense variant.
Genome position (GRCh38, 1-based): chr17:1,658,324, G>A on the plus strand (C>T on the coding strand, the complement: PRPF8 is on the minus strand). VCF-style: chr17-1658324-G-A. GRCh37 (hg19) VCF-style: chr17-1561618-G-A.
Other names: short protein forms P1812S.
Identifiers: ClinVar variation 4839558 (VCV004839558.1).